The following is an entry in ClinVar:

NM_000133.4(F9):c.287A>G (p.Gln96Arg)

Gene: F9 (coagulation factor IX; plus strand). Cytogenetic location: Xq27.1.
Variant type: single nucleotide variant.
Coding change: c.287A>G on transcript NM_000133.4 (MANE Select); coding-DNA position 287, A replaced by G.
Protein change: p.Gln96Arg; replaces glutamine 96 with arginine.
Molecular consequence: missense variant. On other transcripts: intron variant (1).
Genome position (GRCh38, 1-based): chrX:139,541,085, A>G. VCF-style: chrX-139541085-A-G. GRCh37 (hg19) VCF-style: chrX-138623244-A-G.
Other names: c.277+3699A>G (NM_001313913.2); short protein forms Q96R.
Identifiers: ClinVar variation 4783078 (VCV004783078.1).
Genomic context (GRCh38, chrX:139,541,085, plus strand): 5'-GGCATTCTAAGCAGTTTACGTGCCAATTCAATTTCTTAACCTATCTCAAAGATGGAGATC[A>G]GTGTGAGTCCAATCCATGTTTAAATGGCGGCAGTTGCAAGGATGACATTAATTCCTATGA-3'
Protein context (NP_000124.1, residues 86-106): EFWKQYVDGD[Gln96Arg]CESNPCLNGG

ClinVar aggregate classification (germline): Uncertain significance (1 of 4 stars; one submission).

Conditions:
Hereditary factor IX deficiency disease (HEMB). Also called: Christmas Disease; F9 DEFICIENCY; FACTOR IX DEFICIENCY; PLASMA THROMBOPLASTIN COMPONENT DEFICIENCY; Hemophilia B. Identifiers: Orphanet 98879, MedGen C0008533, MeSH D002836, MONDO:0010604, OMIM 306900.
Thrombophilia, X-linked, due to factor 9 defect. Identifiers: MedGen C2749016, MONDO:0010432, OMIM 300807.

Submission:

Labcorp Genetics (formerly Invitae), Labcorp
Classification: Uncertain significance for Thrombophilia, X-linked, due to factor 9 defect; Hereditary factor IX deficiency disease. Last evaluated: 2026-01-28. Review status: criteria provided, single submitter. Criteria: Invitae Variant Classification Sherloc (09022015). Collection method: clinical testing. Allele origin: germline.
Comment: This sequence change replaces glutamine, which is neutral and polar, with arginine, which is basic and polar, at codon 96 of the F9 protein (p.Gln96Arg). This variant is not present in population databases (gnomAD no frequency). This missense change has been observed in individual(s) with hemophilia B (internal data). Invitae Evidence Modeling of protein sequence and biophysical properties (such as structural, functional, and spatial information, amino acid conservation, physicochemical variation, residue mobility, and thermodynamic stability) indicates that this missense variant is not expected to disrupt F9 protein function with a negative predictive value of 80%. This variant disrupts the p.Gln96 (also known as p.Gln50) amino acid residue in F9. Other variant(s) that disrupt this residue have been observed in individuals with F9-related conditions (PMID: 2306516, 7937052, 19262239, 22639855), which suggests that this may be a clinically significant amino acid residue. In summary, the available evidence is currently insufficient to determine the role of this variant in disease. Therefore, it has been classified as a Variant of Uncertain Significance.

Literature cited by the submitters: PubMed 2306516; PubMed 7937052; PubMed 19262239; PubMed 22639855.